The following is an entry in ClinVar:

ClinVar aggregate classification (germline): Uncertain significance (1 of 4 stars; one submission).

gnomAD v4.1: 3 of 1,613,856 alleles (0.00019%); highest among the groups gnomAD compares: African/African-American, 0.0027%; no homozygotes.

Submission:

GeneDx
Classification: Uncertain significance. Last evaluated: 2023-06-26. Review status: criteria provided, single submitter. Criteria: GeneDx Variant Classification Process June 2021. Collection method: clinical testing. Allele origin: germline. Affected: yes.
Comment: In silico analysis supports that this missense variant does not alter protein structure/function; Has not been previously published as pathogenic or benign to our knowledge

NM_004456.5(EZH2):c.590A>G (p.Glu197Gly)

Gene: EZH2 (enhancer of zeste 2 polycomb repressive complex 2 subunit; minus strand). Cytogenetic location: 7q36.1.
Variant type: single nucleotide variant.
Coding change: c.590A>G on transcript NM_004456.5 (MANE Select); coding-DNA position 590, A replaced by G.
Protein change: p.Glu197Gly; replaces glutamic acid 197 with glycine.
Molecular consequence: missense variant.
Genome position (GRCh38, 1-based): chr7:148,828,775, T>C on the plus strand (A>G on the coding strand, the complement: EZH2 is on the minus strand). VCF-style: chr7-148828775-T-C. GRCh37 (hg19) VCF-style: chr7-148525867-T-C.
Other names: c.590A>G, p.Glu197Gly (NM_001203247.2); c.563A>G, p.Glu188Gly (NM_001203248.2, NM_001203249.2); c.473A>G, p.Glu158Gly (NM_152998.3); short protein forms E158G, E188G, E197G.
Identifiers: ClinVar variation 3360312 (VCV003360312.1).